The following is an entry in ClinVar:

ClinVar aggregate classification (germline): Uncertain significance. Review status: criteria provided, multiple submitters, no conflicts (2 of 4 stars). 2 submissions from 2 submitters: Uncertain significance (2). Last evaluated 2025-11-13.

Conditions:
Inborn genetic diseases. Identifiers: MedGen C0950123, MeSH D030342.
Familial episodic pain syndrome with predominantly lower limb involvement. Also called: Episodic pain syndrome, familial, 3. Identifiers: Orphanet 391384, Orphanet 391392, MedGen C3809899, MONDO:0014247, OMIM 615552.
Hereditary sensory and autonomic neuropathy type 7. Also called: HSAN VII; Neuropathy, hereditary sensory and autonomic, type VII. Identifiers: Orphanet 391397, MedGen C3809882, MONDO:0014244, OMIM 615548.

Allele frequency attached by ClinVar (database versions not stated): TOPMed below 0.00001; ExAC 0.00002; gnomAD exomes 0.00002.
gnomAD v4.1: 23 of 1,562,772 alleles (0.0015%); highest among the groups gnomAD compares: South Asian, 0.0044%; no homozygotes.

Submissions (2):

Ambry Genetics
Classification: Uncertain significance for Inborn genetic diseases. Last evaluated: 2025-11-13. Review status: criteria provided, single submitter. Criteria: Ambry Variant Classification Scheme 2023. Collection method: clinical testing. Allele origin: germline.

Labcorp Genetics (formerly Invitae), Labcorp
Classification: Uncertain significance for Familial episodic pain syndrome with predominantly lower limb involvement; Hereditary sensory and autonomic neuropathy type 7. Last evaluated: 2021-03-07. Review status: criteria provided, single submitter. Criteria: Invitae Variant Classification Sherloc (09022015). Collection method: clinical testing. Allele origin: germline.
Comment: This sequence change replaces arginine with tryptophan at codon 1350 of the SCN11A protein (p.Arg1350Trp). The arginine residue is highly conserved and there is a moderate physicochemical difference between arginine and tryptophan. In summary, the available evidence is currently insufficient to determine the role of this variant in disease. Therefore, it has been classified as a Variant of Uncertain Significance. Algorithms developed to predict the effect of missense changes on protein structure and function (SIFT, PolyPhen-2, Align-GVGD) all suggest that this variant is likely to be disruptive, but these predictions have not been confirmed by published functional studies and their clinical significance is uncertain. This variant has not been reported in the literature in individuals with SCN11A-related conditions. This variant is present in population databases (rs753378397, ExAC 0.01%).

NM_001349253.2(SCN11A):c.4048C>T (p.Arg1350Trp)

Gene: SCN11A (sodium voltage-gated channel alpha subunit 11; minus strand). Cytogenetic location: 3p22.2.
Variant type: single nucleotide variant.
Coding change: c.4048C>T on transcript NM_001349253.2 (MANE Select); coding-DNA position 4048, C replaced by T.
Protein change: p.Arg1350Trp; replaces arginine 1350 with tryptophan.
Molecular consequence: missense variant.
Genome position (GRCh38, 1-based): chr3:38,863,203, G>A on the plus strand (C>T on the coding strand, the complement: SCN11A is on the minus strand). VCF-style: chr3-38863203-G-A. GRCh37 (hg19) VCF-style: chr3-38904694-G-A.
Other names: c.4048C>T, p.Arg1350Trp (NM_014139.3); short protein forms R1350W.
Identifiers: ClinVar variation 948933 (VCV000948933.7), dbSNP rs753378397, ClinGen allele CA2321624.